The following is an entry in ClinVar:

NM_001458.5(FLNC):c.3079C>A (p.Arg1027Ser)

Gene: FLNC (filamin C; plus strand). Cytogenetic location: 7q32.1.
Variant type: single nucleotide variant.
Coding change: c.3079C>A on transcript NM_001458.5 (MANE Select); coding-DNA position 3079, C replaced by A.
Protein change: p.Arg1027Ser; replaces arginine 1027 with serine.
Molecular consequence: missense variant.
Genome position (GRCh38, 1-based): chr7:128,844,153, C>A. VCF-style: chr7-128844153-C-A. GRCh37 (hg19) VCF-style: chr7-128484207-C-A.
Other names: c.3079C>A, p.Arg1027Ser (NM_001127487.2); short protein forms R1027S.
Identifiers: ClinVar variation 3763111 (VCV003763111.2).

ClinVar aggregate classification (germline): Uncertain significance (1 of 4 stars; one submission).

Conditions:
Hypertrophic cardiomyopathy 26. Also called: Cardiomyopathy, familial hypertrophic, 26. Identifiers: Orphanet 75249, MedGen C4310749, MONDO:0014883, OMIM 617047.
Myofibrillar myopathy 5. Also called: Filaminopathy (type); FILAMINOPATHY, AUTOSOMAL DOMINANT. Identifiers: Orphanet 171445, MedGen C1836050, MONDO:0012289, OMIM 609524.
Distal myopathy with posterior leg and anterior hand involvement. Also called: WILLIAMS DISTAL MYOPATHY. Identifiers: Orphanet 63273, MedGen C3279722, MONDO:0013550, OMIM 614065.

Submission:

Labcorp Genetics (formerly Invitae), Labcorp
Classification: Uncertain significance for Distal myopathy with posterior leg and anterior hand involvement; Myofibrillar myopathy 5; Hypertrophic cardiomyopathy 26. Last evaluated: 2024-07-30. Review status: criteria provided, single submitter. Criteria: Invitae Variant Classification Sherloc (09022015). Collection method: clinical testing. Allele origin: germline.
Comment: This sequence change replaces arginine, which is basic and polar, with serine, which is neutral and polar, at codon 1027 of the FLNC protein (p.Arg1027Ser). This variant is not present in population databases (gnomAD no frequency). This variant has not been reported in the literature in individuals affected with FLNC-related conditions. Advanced modeling of protein sequence and biophysical properties (such as structural, functional, and spatial information, amino acid conservation, physicochemical variation, residue mobility, and thermodynamic stability) has been performed at Invitae for this missense variant, however the output from this modeling did not meet the statistical confidence thresholds required to predict the impact of this variant on FLNC protein function. In summary, the available evidence is currently insufficient to determine the role of this variant in disease. Therefore, it has been classified as a Variant of Uncertain Significance.